The following is an entry in ClinVar:

ClinVar aggregate classification (germline): Uncertain significance. Review status: criteria provided, multiple submitters, no conflicts (2 of 4 stars). 2 submissions from 2 submitters: Uncertain significance (2). Last evaluated 2025-12-29.

Conditions:
Emery-Dreifuss muscular dystrophy 5, autosomal dominant (EDMD5). Also called: EMERY-DREIFUSS MUSCULAR DYSTROPHY 5. Identifiers: Orphanet 261, MedGen C2751805, MONDO:0013072, OMIM 612999.

Allele frequency attached by ClinVar (database versions not stated): gnomAD exomes below 0.00001; gnomAD 0.00001; TOPMed 0.00001.
gnomAD v4.1: 2 of 1,613,914 alleles (0.00012%); highest among the groups gnomAD compares: Non-Finnish European, 0.00017%; no homozygotes.

Submissions (2):

Labcorp Genetics (formerly Invitae), Labcorp
Classification: Uncertain significance for Emery-Dreifuss muscular dystrophy 5, autosomal dominant. Last evaluated: 2025-12-29. Review status: criteria provided, single submitter. Criteria: Invitae Variant Classification Sherloc (09022015). Collection method: clinical testing. Allele origin: germline.
Comment: This sequence change falls in intron 40 of the SYNE2 gene. It does not directly change the encoded amino acid sequence of the SYNE2 protein. It affects a nucleotide within the consensus splice site. This variant is not present in population databases (gnomAD no frequency). This variant has not been reported in the literature in individuals affected with SYNE2-related conditions. ClinVar contains an entry for this variant (Variation ID: 281955). Variants that disrupt the consensus splice site are a relatively common cause of aberrant splicing (PMID: 17576681, 9536098). Algorithms developed to predict the effect of sequence changes on RNA splicing suggest that this variant is not likely to affect RNA splicing. In summary, the available evidence is currently insufficient to determine the role of this variant in disease. Therefore, it has been classified as a Variant of Uncertain Significance.

Eurofins Ntd Llc (ga)
Classification: Uncertain significance. Last evaluated: 2015-07-14. Review status: criteria provided, single submitter. Criteria: EGL Classification Definitions 2015. Collection method: clinical testing. Allele origin: germline. Observed: 1 variant allele, 1 heterozygote.

Literature cited by the submitters: PubMed 17576681 (cited by Labcorp Genetics (formerly Invitae), Labcorp); PubMed 9536098 (cited by Labcorp Genetics (formerly Invitae), Labcorp).

NM_182914.3(SYNE2):c.5960+6G>A

Gene: SYNE2 (spectrin repeat containing nuclear envelope protein 2; plus strand). Cytogenetic location: 14q23.2.
Variant type: single nucleotide variant.
Coding change: c.5960+6G>A on transcript NM_182914.3 (MANE Select); 6 bases into the intron after coding-DNA position 5960, G replaced by A.
Molecular consequence: intron variant.
Genome position (GRCh38, 1-based): chr14:64,025,037, G>A. VCF-style: chr14-64025037-G-A. GRCh37 (hg19) VCF-style: chr14-64491755-G-A.
Other names: c.5960+6G>A (NM_015180.6).
Identifiers: ClinVar variation 281955 (VCV000281955.6), dbSNP rs886042273, ClinGen allele CA10604018.